The following is an entry in ClinVar:

ClinVar aggregate classification (germline): Uncertain significance (1 of 4 stars; one submission).

Conditions:
Ethylmalonic encephalopathy (EE). Also called: EPEMA syndrome; Encephalopathy, petechiae, and ethylmalonic aciduria; Syndrome of encephalopathy, petechiae, and ethylmalonic aciduria. Identifiers: Orphanet 51188, MedGen C1865349, MONDO:0011229, OMIM 602473. Disease mechanism: loss of function.

Allele frequency attached by ClinVar (database versions not stated): gnomAD 0.00003; 1000 Genomes Project 30x 0.00016; 1000 Genomes Project 0.00020.
gnomAD v4.1: 7 of 1,540,832 alleles (0.00045%); highest among the groups gnomAD compares: African/African-American, 0.0082%; no homozygotes.

Submission:

Labcorp Genetics (formerly Invitae), Labcorp
Classification: Uncertain significance for Ethylmalonic encephalopathy. Last evaluated: 2022-02-19. Review status: criteria provided, single submitter. Criteria: Invitae Variant Classification Sherloc (09022015). Collection method: clinical testing. Allele origin: germline.
Comment: In summary, the available evidence is currently insufficient to determine the role of this variant in disease. Therefore, it has been classified as a Variant of Uncertain Significance. This sequence change replaces alanine, which is neutral and non-polar, with valine, which is neutral and non-polar, at codon 4 of the ETHE1 protein (p.Ala4Val). The frequency data for this variant in the population databases is considered unreliable, as metrics indicate poor data quality at this position in the gnomAD database. This variant has not been reported in the literature in individuals affected with ETHE1-related conditions. Advanced modeling of protein sequence and biophysical properties (such as structural, functional, and spatial information, amino acid conservation, physicochemical variation, residue mobility, and thermodynamic stability) performed at Invitae indicates that this missense variant is not expected to disrupt ETHE1 protein function.

NM_014297.5(ETHE1):c.11C>T (p.Ala4Val)

Genes: ETHE1 (ETHE1 persulfide dioxygenase; minus strand), LOC130064595 (ATAC-STARR-seq lymphoblastoid silent region 10721; plus strand). Cytogenetic location: 19q13.31.
Variant type: single nucleotide variant.
Coding change: c.11C>T on transcript NM_014297.5 (MANE Select); coding-DNA position 11, C replaced by T.
Protein change: p.Ala4Val; replaces alanine 4 with valine.
Molecular consequence: missense variant. On other transcripts: 5 prime UTR variant (1).
Genome position (GRCh38, 1-based): chr19:43,527,167, G>A on the plus strand (C>T on the coding strand, the complement: ETHE1 is on the minus strand). VCF-style: chr19-43527167-G-A. GRCh37 (hg19) VCF-style: chr19-44031319-G-A.
Other names: c.11C>T, p.Ala4Val (NM_001320867.2, NM_001320869.2); c.-210C>T (NM_001320868.2); short protein forms A4V.
Identifiers: ClinVar variation 1989563 (VCV001989563.4), dbSNP rs549901509, ClinGen allele CA308754587.